The following is an entry in ClinVar:

NM_001291303.3(FAT4):c.1654A>G (p.Ile552Val)

Gene: FAT4 (FAT atypical cadherin 4; plus strand). Cytogenetic location: 4q28.1.
Variant type: single nucleotide variant.
Coding change: c.1654A>G on transcript NM_001291303.3 (MANE Select); coding-DNA position 1654, A replaced by G.
Protein change: p.Ile552Val; replaces isoleucine 552 with valine.
Molecular consequence: missense variant.
Genome position (GRCh38, 1-based): chr4:125,318,065, A>G. VCF-style: chr4-125318065-A-G. GRCh37 (hg19) VCF-style: chr4-126239220-A-G.
Other names: c.1654A>G, p.Ile552Val (NM_001291285.3, NM_024582.6); short protein forms I552V.
Identifiers: ClinVar variation 2052354 (VCV002052354.2), dbSNP rs752024411, ClinGen allele CA3072027.
Genomic context (GRCh38, chr4:125,318,065, plus strand): 5'-GTGACCACTGGGTCCTCTGGGGGCCTGGACCGTGAACTTGCTTCCCAGATTGTTCTGAAT[A>G]TAAGTGCCCGGGACCAGGGAGTTCACCCCAAGGTGTCCTATGCCCAGCTTGTAGTAACTC-3'
Protein context (NP_001278232.1, residues 542-562): RELASQIVLN[Ile552Val]SARDQGVHPK

ClinVar aggregate classification (germline): Uncertain significance. Review status: criteria provided, multiple submitters, no conflicts (2 of 4 stars). 2 submissions from 2 submitters: Uncertain significance (2). Last evaluated 2022-05-27.

Conditions:
Inborn genetic diseases. Identifiers: MedGen C0950123, MeSH D030342.

Allele frequency attached by ClinVar (database versions not stated): ExAC 0.00002; gnomAD exomes 0.00002; TOPMed 0.00002.
gnomAD v4.1: 38 of 1,614,122 alleles (0.0024%); highest among the groups gnomAD compares: Non-Finnish European, 0.0027%; no homozygotes.

Submissions (2):

Ambry Genetics
Classification: Uncertain significance for Inborn genetic diseases. Last evaluated: 2022-05-27. Review status: criteria provided, single submitter. Criteria: Ambry Variant Classification Scheme 2023. Collection method: clinical testing. Allele origin: germline.

Labcorp Genetics (formerly Invitae), Labcorp
Classification: Uncertain significance. Last evaluated: 2022-04-29. Review status: criteria provided, single submitter. Criteria: Invitae Variant Classification Sherloc (09022015). Collection method: clinical testing. Allele origin: germline.
Comment: This sequence change replaces isoleucine, which is neutral and non-polar, with valine, which is neutral and non-polar, at codon 552 of the FAT4 protein (p.Ile552Val). This variant is present in population databases (rs752024411, gnomAD 0.006%). This variant has not been reported in the literature in individuals affected with FAT4-related conditions. Advanced modeling of protein sequence and biophysical properties (such as structural, functional, and spatial information, amino acid conservation, physicochemical variation, residue mobility, and thermodynamic stability) performed at Invitae indicates that this missense variant is not expected to disrupt FAT4 protein function. Algorithms developed to predict the effect of sequence changes on RNA splicing suggest that this variant may create or strengthen a splice site. In summary, the available evidence is currently insufficient to determine the role of this variant in disease. Therefore, it has been classified as a Variant of Uncertain Significance.